The following is an entry in ClinVar:

NM_001079866.2(BCS1L):c.499_504delinsA (p.Val167fs)

Gene: BCS1L (BCS1 ubiquinol-cytochrome c reductase complex chaperone; plus strand). Cytogenetic location: 2q35.
Variant type: Indel.
Coding change: c.499_504delinsA on transcript NM_001079866.2 (MANE Select); coding-DNA positions 499 to 504, GTGATG replaced by A.
Protein change: p.Val167fs; shifts the reading frame from valine 167.
Molecular consequence: frameshift variant. On other transcripts: initiator codon variant (6), non-coding transcript variant (1).
Genome position (GRCh38, 1-based): chr2:218,661,797-218,661,802, GTGATG replaced by A. VCF-style: chr2-218661797-GTGATG-A. GRCh37 (hg19) VCF-style: chr2-219526520-GTGATG-A.
Other names: c.499_504delinsA, p.Val167fs (NM_001257342.2, NM_001257343.2, NM_001257344.2 and 10 more transcripts); c.139_144delinsA, p.Val47fs (NM_001318836.2, NM_001371451.1); c.-3_3delinsA, p.Met1fs (NM_001371452.1, NM_001371453.1, NM_001371454.1 and 3 more transcripts); short protein forms M1fs, V167fs, V47fs.
Identifiers: ClinVar variation 5019564 (VCV005019564.2).
Genomic context (GRCh38, chr2:218,661,797, plus strand): 5'-TATCTCATCTTCTCCTTCCCAGCTCGAGAGCTAGCCTTGCAGCAGGAGGAAGGGAAGACC[GTGATG>A]TACACAGCTGTGGGCTCTGAATGGCGTCCCTTTGGCTATCCACGCCGCCGGCGACCACTG-3'

ClinVar aggregate classification (germline): Likely pathogenic (1 of 4 stars; one submission).

Conditions:
GRACILE syndrome (FLNMS). Also called: FELLMAN SYNDROME; FINNISH LETHAL NEONATAL METABOLIC SYNDROME. Identifiers: Orphanet 53693, MedGen C1864002, MONDO:0011308, OMIM 603358.
Pili torti-deafness syndrome (BJS). Also called: PILI TORTI AND NERVE DEAFNESS; Bjornstad syndrome. Identifiers: Orphanet 123, MedGen C0266006, MONDO:0009872, OMIM 262000.
Mitochondrial complex III deficiency nuclear type 1. Identifiers: Orphanet 254902, MedGen C3541471, MONDO:0007415, OMIM 124000.

Submission:

Juno Genomics, Hangzhou Juno Genomics, Inc
Classification: Likely pathogenic for Pili torti-deafness syndrome; GRACILE syndrome; Mitochondrial complex III deficiency nuclear type 1. Review status: criteria provided, single submitter. Criteria: ACMG Guidelines, 2015. Collection method: clinical testing. Allele origin: germline.
Comment: Absent from controls (or at extremely low frequency if recessive) in Genome Aggregation Database.;Null variant in a gene where loss of function (LOF) is a known mechanism of disease.